The following is an entry in ClinVar:

ClinVar aggregate classification (germline): Uncertain significance. Review status: criteria provided, multiple submitters, no conflicts (2 of 4 stars). 3 submissions from 3 submitters: Uncertain significance (2). 1 of the submissions does not count toward it. Last evaluated 2025-12-28.

Conditions:
TRIM63-related disorder. Also called: TRIM63-related condition.
Inborn genetic diseases. Identifiers: MedGen C0950123, MeSH D030342.
Hypertrophic cardiomyopathy. Also called: HYPERTROPHIC MYOCARDIOPATHY. Identifiers: Orphanet 217569, MedGen C0007194, MeSH D002312, MONDO:0005045, HP:0001639.

gnomAD v4.1: 48 of 1,614,084 alleles (0.003%); highest among the groups gnomAD compares: Non-Finnish European, 0.0039%; no homozygotes.

Submissions (3):

PreventionGenetics, part of Exact Sciences
Classification: Uncertain significance for TRIM63-related condition. Last evaluated: 2025-12-28. Review status: criteria provided, single submitter. Criteria: ACMG Guidelines, 2015. Collection method: clinical testing. Allele origin: germline.
Comment: The TRIM63 c.785C>T variant is predicted to result in the amino acid substitution p.Thr262Ile. To our knowledge, this variant has not been reported in the literature. This variant is reported in 0.00088% of alleles in individuals of European (Non-Finnish) descent in gnomAD. At this time, the clinical significance of this variant is uncertain due to the absence of conclusive functional and genetic evidence.

Ambry Genetics
Classification: Uncertain significance for Inborn genetic diseases. Last evaluated: 2024-06-13. Review status: criteria provided, single submitter. Criteria: Ambry Variant Classification Scheme 2023. Collection method: clinical testing. Allele origin: germline.

Zaffran Lab, Genetics of Cardiac Diseases Laboratory, Marseille Medical Genetics
Classification: Uncertain significance for hypertrophic cardiomyopathy. Review status: no assertion criteria provided. Collection method: research. Allele origin: unknown. Affected: yes. Not counted in ClinVar's aggregate classification.

NM_032588.4(TRIM63):c.785C>T (p.Thr262Ile)

Gene: TRIM63 (tripartite motif containing 63; minus strand). Cytogenetic location: 1p36.11.
Variant type: single nucleotide variant.
Coding change: c.785C>T on transcript NM_032588.4 (MANE Select); coding-DNA position 785, C replaced by T.
Protein change: p.Thr262Ile; replaces threonine 262 with isoleucine.
Molecular consequence: missense variant.
Genome position (GRCh38, 1-based): chr1:26,058,436, G>A on the plus strand (C>T on the coding strand, the complement: TRIM63 is on the minus strand). VCF-style: chr1-26058436-G-A. GRCh37 (hg19) VCF-style: chr1-26384927-G-A.
Other names: short protein forms T262I.
Identifiers: ClinVar variation 3328881 (VCV003328881.3).